The following is an entry in ClinVar:

ClinVar aggregate classification (germline): Pathogenic (1 of 4 stars; one submission).

Conditions:
Fabry disease. Also called: ALPHA-GALACTOSIDASE A DEFICIENCY; ANDERSON-FABRY DISEASE; CERAMIDE TRIHEXOSIDASE DEFICIENCY; GLA DEFICIENCY; HEREDITARY DYSTOPIC LIPIDOSIS; Angiokeratoma corporis diffusum. Identifiers: Orphanet 324, MedGen C0002986, MONDO:0010526, OMIM 301500, HP:0001071. Disease mechanism: Fabry disease is due to inactivating mutations in the X-linked GLA gene resulting in deficiency of the enzyme Alpha Galactosidase-A., loss of function.

Submission:

Genomenon, Inc
Classification: Pathogenic for Fabry disease. Last evaluated: 2026-09-08. Review status: criteria provided, single submitter. Criteria: Genomenon Sequence Variant Interpretation Standards - Updated. Collection method: curation. Allele origin: germline. Affected: yes.
Comment: GLA p.Lys213Asn (c.639G>C) is a missense variant that changes the amino acid at codon 213 from Lysine to Asparagine. This variant has been observed in at least one proband with clinical features consistent with Fabry disease (PMID:32915382). Other variants affecting this donor splice region have been reported as likely pathogenic or pathogenic. It is absent or not present at a significant frequency in gnomAD. In silico models predict that this variant is possibly or probably damaging. In conclusion, we classify GLA p.Lys213Asn (c.639G>C) as a pathogenic variant.

Literature cited by the submitters: PubMed 32915382.

NM_000169.3(GLA):c.639G>C (p.Lys213Asn)

Genes: GLA (galactosidase alpha; minus strand), RPL36A-HNRNPH2 (RPL36A-HNRNPH2 readthrough; plus strand). Cytogenetic location: Xq22.1.
Variant type: single nucleotide variant.
Coding change: c.639G>C on transcript NM_000169.3 (MANE Select); coding-DNA position 639, G replaced by C.
Protein change: p.Lys213Asn; replaces lysine 213 with asparagine.
Molecular consequence: missense variant. On other transcripts: non-coding transcript variant (2), intron variant (2).
Genome position (GRCh38, 1-based): chrX:101,400,666, C>G on the plus strand (G>C on the coding strand, the complement: GLA is on the minus strand). VCF-style: chrX-101400666-C-G. GRCh37 (hg19) VCF-style: chrX-100655654-C-G.
Other names: c.762G>C, p.Lys254Asn (NM_001406747.1); c.639G>C, p.Lys213Asn (NM_001406748.1); c.300+5209C>G (NM_001199973.2); c.177+8844C>G (NM_001199974.2); short protein forms K213N, K254N.
Identifiers: ClinVar variation 4087445 (VCV004087445.2).